The following is an entry in ClinVar:

ClinVar aggregate classification (germline): Conflicting classifications of pathogenicity. Review status: criteria provided, conflicting classifications (1 of 4 stars). 3 submissions from 3 submitters: Uncertain significance (1); Likely benign (2). Last evaluated 2025-04-13.

Conditions:
LAMA2-related muscular dystrophy (LAMA2-RD). Also called: Laminin alpha 2-related dystrophy. Identifiers: MedGen C5679788, MONDO:0100228.
Elevated circulating creatine kinase activity. Also called: Elevated serum creatine phosphokinase; Elevated circulating creatine kinase concentration; Elevated creatine kinase. Identifiers: MedGen C0241005, HP:0003236.
Myalgia. Identifiers: MedGen C0231528, HP:0003326.
Exercise-induced myalgia. Identifiers: MedGen C1850830, HP:0003738.

Allele frequency attached by ClinVar (database versions not stated): gnomAD exomes below 0.00001; TOPMed below 0.00001.
gnomAD v4.1: 6 of 1,612,486 alleles (0.00037%); highest among the groups gnomAD compares: Non-Finnish European, 0.00042%; no homozygotes.

Submissions (3):

Labcorp Genetics (formerly Invitae), Labcorp
Classification: Likely benign for LAMA2-related muscular dystrophy. Last evaluated: 2025-04-13. Review status: criteria provided, single submitter. Criteria: Invitae Variant Classification Sherloc (09022015). Collection method: clinical testing. Allele origin: germline.

GeneDx
Classification: Likely benign. Last evaluated: 2017-02-01. Review status: criteria provided, single submitter. Criteria: GeneDx Variant Classification (06012015). Collection method: clinical testing. Allele origin: germline. Affected: yes.
Comment: This variant is considered likely benign or benign based on one or more of the following criteria: it is a conservative change, it occurs at a poorly conserved position in the protein, it is predicted to be benign by multiple in silico algorithms, and/or has population frequency not consistent with disease.

Centre for Mendelian Genomics, University Medical Centre Ljubljana
Classification: Uncertain significance for Elevated circulating creatine kinase activity; Exercise-induced myalgia; Myalgia. Last evaluated: 2017-01-01. Review status: criteria provided, single submitter. Criteria: ACMG Guidelines, 2015. Collection method: clinical testing. Allele origin: unknown. Affected: yes.

NM_000426.4(LAMA2):c.2450+16A>G

Gene: LAMA2 (laminin subunit alpha 2; plus strand). Cytogenetic location: 6q22.33.
Variant type: single nucleotide variant.
Coding change: c.2450+16A>G on transcript NM_000426.4 (MANE Select); 16 bases into the intron after coding-DNA position 2450, A replaced by G.
Molecular consequence: intron variant.
Genome position (GRCh38, 1-based): chr6:129,270,767, A>G. VCF-style: chr6-129270767-A-G. GRCh37 (hg19) VCF-style: chr6-129591912-A-G.
Other names: c.2450+16A>G (NM_001079823.2).
Identifiers: ClinVar variation 507122 (VCV000507122.7), dbSNP rs1024374408, ClinGen allele CA146880637.